The following is an entry in ClinVar:

ClinVar aggregate classification (germline): Benign. Review status: criteria provided, multiple submitters, no conflicts (2 of 4 stars). 2 submissions from 2 submitters: Benign (2). Last evaluated 2019-01-09.

Allele frequency attached by ClinVar (database versions not stated): 1000 Genomes Project 30x 0.31980; 1000 Genomes Project 0.31989; TOPMed 0.37680; gnomAD 0.39767 and 0.39962; ESP Exome Variant Server 0.40850; gnomAD exomes 0.44731 and 0.49681; ExAC 0.44849.
gnomAD v4.1: 786,184 of 1,613,502 alleles (49%); highest among the groups gnomAD compares: Middle Eastern, 63%; 200,789 homozygotes.

Submissions (2):

GeneDx
Classification: Benign. Last evaluated: 2019-01-09. Review status: criteria provided, single submitter. Criteria: GeneDx Variant Classification Process June 2021. Collection method: clinical testing. Allele origin: germline. Affected: yes.
Comment: This variant is associated with the following publications: (PMID: 29748316, 29083408)

Breakthrough Genomics
Classification: Benign. Review status: criteria provided, single submitter. Criteria: ACMG Guidelines, 2015. Collection method: not provided. Allele origin: germline. Inheritance: Unknown mechanism. Affected: yes.

NM_004428.3(EFNA1):c.476A>T (p.Asp159Val)

Gene: EFNA1 (ephrin A1; plus strand). Cytogenetic location: 1q22.
Variant type: single nucleotide variant.
Coding change: c.476A>T on transcript NM_004428.3 (MANE Select); coding-DNA position 476, A replaced by T.
Protein change: p.Asp159Val; replaces aspartic acid 159 with valine.
Molecular consequence: missense variant.
Genome position (GRCh38, 1-based): chr1:155,133,751, A>T. VCF-style: chr1-155133751-A-T. GRCh37 (hg19) VCF-style: chr1-155106227-A-T.
Other names: c.410A>T, p.Asp137Val (NM_182685.2); short protein forms D137V, D159V.
Identifiers: ClinVar variation 1268289 (VCV001268289.2), dbSNP rs4745, ClinGen allele CA1138097.